The following is an entry in ClinVar:

ClinVar aggregate classification (germline): Conflicting classifications of pathogenicity. Review status: criteria provided, conflicting classifications (1 of 4 stars). 2 submissions from 2 submitters: Uncertain significance (1); Likely benign (1). Last evaluated 2023-04-10.

Conditions:
Long QT syndrome (LQTS). Identifiers: MedGen C0023976, MeSH D008133, MONDO:0002442. Disease mechanism: loss of function. Inheritance: Various modes of inheritance.

Allele frequency attached by ClinVar (database versions not stated): gnomAD exomes below 0.00001.
gnomAD v4.1: 2 of 1,614,228 alleles (0.00012%); highest among the groups gnomAD compares: Non-Finnish European, 0.00017%; no homozygotes.

Submissions (2):

All of Us Research Program, National Institutes of Health
Classification: Uncertain significance for Long QT syndrome. Last evaluated: 2023-04-10. Review status: criteria provided, single submitter. Criteria: ACMG Guidelines, 2015. Collection method: clinical testing. Allele origin: germline. Inheritance: Autosomal dominant inheritance. Observed: 1 variant allele, 1 heterozygote.
Comment: This variant is located in the KCNH2 protein. To our knowledge, functional studies have not been reported for this variant. This variant has not been reported in individuals affected with KCNH2-related disorders in the literature. This variant has been identified in 1/251414 chromosomes in the general population by the Genome Aggregation Database (gnomAD). The available evidence is insufficient to determine the role of this variant in disease conclusively. Therefore, this variant is classified as a Variant of Uncertain Significance.

This study involves interpretation of variants in research participants for the purpose of population health screening. Participant phenotype was not available at the time of variant classification. Additional details can be found in publication PMID: 35346344, PMCID: PMC8962531

Labcorp Genetics (formerly Invitae), Labcorp
Classification: Likely benign for Long QT syndrome. Last evaluated: 2022-12-03. Review status: criteria provided, single submitter. Criteria: Invitae Variant Classification Sherloc (09022015). Collection method: clinical testing. Allele origin: germline.

NM_000238.4(KCNH2):c.396G>T (p.Val132=)

Gene: KCNH2 (potassium voltage-gated channel subfamily H member 2; minus strand). Cytogenetic location: 7q36.1.
Variant type: single nucleotide variant.
Coding change: c.396G>T on transcript NM_000238.4 (MANE Select); coding-DNA position 396, G replaced by T.
Protein change: p.Val132=; no amino-acid change (valine 132 retained).
Molecular consequence: synonymous variant. On other transcripts: non-coding transcript variant (1).
Genome position (GRCh38, 1-based): chr7:150,959,648, C>A on the plus strand (G>T on the coding strand, the complement: KCNH2 is on the minus strand). VCF-style: chr7-150959648-C-A. GRCh37 (hg19) VCF-style: chr7-150656736-C-A.
Other names: c.108G>T, p.Val36= (NM_001406753.1, NM_001406756.1); c.219G>T, p.Val73= (NM_001406755.1); c.96G>T, p.Val32= (NM_001406757.1); c.396G>T, p.Val132= (NM_172056.3).
Identifiers: ClinVar variation 3000624 (VCV003000624.4), dbSNP rs1410993219, ClinGen allele CA458646924.